The following is an entry in ClinVar:

ClinVar aggregate classification (germline): Likely benign (0 of 4 stars; one submission).

Conditions:
A2ML1-related disorder. Also called: A2ML1-related condition.

Allele frequency attached by ClinVar (database versions not stated): gnomAD exomes below 0.00001.
gnomAD v4.1: 1 of 1,614,052 alleles (0.000062%); highest among the groups gnomAD compares: South Asian, 0.0011%; no homozygotes.

Submission:

PreventionGenetics, part of Exact Sciences
Classification: Likely benign for A2ML1-related condition. Last evaluated: 2023-07-05. Review status: no assertion criteria provided. Collection method: clinical testing. Allele origin: germline.
Comment: This variant is classified as likely benign based on ACMG/AMP sequence variant interpretation guidelines (Richards et al. 2015 PMID: 25741868, with internal and published modifications).

NM_144670.6(A2ML1):c.1887G>A (p.Glu629=)

Gene: A2ML1 (alpha-2-macroglobulin like 1; plus strand). Cytogenetic location: 12p13.31.
Variant type: single nucleotide variant.
Coding change: c.1887G>A on transcript NM_144670.6 (MANE Select); coding-DNA position 1887, G replaced by A.
Protein change: p.Glu629=; no amino-acid change (glutamic acid 629 retained).
Molecular consequence: synonymous variant.
Genome position (GRCh38, 1-based): chr12:8,848,773, G>A. VCF-style: chr12-8848773-G-A. GRCh37 (hg19) VCF-style: chr12-9001369-G-A.
Other names: c.414G>A, p.Glu138= (NM_001282424.3).
Identifiers: ClinVar variation 3048541 (VCV003048541.2), dbSNP rs2539246196, ClinGen allele CA478301998.